The following is an entry in ClinVar:

NM_014956.5(CEP164):c.1653T>C (p.Pro551=)

Gene: CEP164 (centrosomal protein 164; plus strand). Cytogenetic location: 11q23.3.
Variant type: single nucleotide variant.
Coding change: c.1653T>C on transcript NM_014956.5 (MANE Select); coding-DNA position 1653, T replaced by C.
Protein change: p.Pro551=; no amino-acid change (proline 551 retained).
Molecular consequence: synonymous variant. On other transcripts: intron variant (27).
Genome position (GRCh38, 1-based): chr11:117,382,871, T>C. VCF-style: chr11-117382871-T-C. GRCh37 (hg19) VCF-style: chr11-117253587-T-C.
Other names: c.1662T>C, p.Pro554= (NM_001271933.2, NM_001440949.1); c.1653T>C, p.Pro551= (NM_001440950.1, NM_001440951.1, NM_001440953.1 and 1 more transcripts); c.1575T>C, p.Pro525= (NM_001440954.1, NM_001440955.1, NM_001440958.1 and 2 more transcripts); c.1524T>C, p.Pro508= (NM_001440960.1); c.1494T>C, p.Pro498= (NM_001440972.1); c.1586+1003T>C (NM_001440967.1, NM_001440961.1); c.1637+1003T>C (NM_001440956.1, NM_001440957.1); c.1577+1003T>C (NM_001440962.1, NM_001440970.1, NM_001440964.1 and 6 more transcripts); and 2 more.
Identifiers: ClinVar variation 4998960 (VCV004998960.1).

ClinVar aggregate classification (germline): Likely benign (1 of 4 stars; one submission).

Conditions:
CEP164-related disorder. Also called: CEP164-related condition.

Submission:

PreventionGenetics, part of Exact Sciences
Classification: Likely benign for CEP164-related condition. Last evaluated: 2025-04-30. Review status: criteria provided, single submitter. Criteria: ACMG Guidelines, 2015. Collection method: clinical testing. Allele origin: germline.
Comment: This variant is classified as likely benign based on ACMG/AMP sequence variant interpretation guidelines (Richards et al. 2015 PMID: 25741868, with internal and published modifications).